The following is an entry in ClinVar:

NM_001165963.4(SCN1A):c.5187G>T (p.Leu1729Phe)

Genes: SCN1A (sodium voltage-gated channel alpha subunit 1; minus strand), LOC102724058 (uncharacterized LOC102724058; plus strand). Cytogenetic location: 2q24.3.
Variant type: single nucleotide variant.
Coding change: c.5187G>T on transcript NM_001165963.4 (MANE Select); coding-DNA position 5187, G replaced by T.
Protein change: p.Leu1729Phe; replaces leucine 1729 with phenylalanine.
Molecular consequence: missense variant. On other transcripts: non-coding transcript variant (1).
Genome position (GRCh38, 1-based): chr2:165,992,088, C>A on the plus strand (G>T on the coding strand, the complement: SCN1A is on the minus strand). VCF-style: chr2-165992088-C-A. GRCh37 (hg19) VCF-style: chr2-166848598-C-A.
Other names: c.5187G>T (NM_001202435.1); c.5154G>T, p.Leu1718Phe (NM_001353949.2, NM_001353950.2, NM_001353951.2 and 2 more transcripts); c.5151G>T, p.Leu1717Phe (NM_001353954.2, NM_001353955.2); c.5103G>T, p.Leu1701Phe (NM_001353957.2, NM_001353958.2, NM_001165964.3); c.5100G>T, p.Leu1700Phe (NM_001353960.2); c.2745G>T, p.Leu915Phe (NM_001353961.2); c.5187G>T, p.Leu1729Phe (NM_001202435.3, NM_001353948.2); short protein forms L1718F, L1701F, L1717F, L915F, L1729F, L1700F.
Identifiers: ClinVar variation 1412503 (VCV001412503.10), dbSNP rs747155595, ClinGen allele CA1942688.

ClinVar aggregate classification (germline): Uncertain significance. Review status: criteria provided, single submitter (1 of 4 stars). 2 submissions from 2 submitters: Uncertain significance (1). 1 of the submissions does not count toward it. Last evaluated 2024-08-08.

Conditions:
Early-infantile DEE. Also called: Early infantile epileptic encephalopathy with suppression bursts; Ohtahara syndrome; Early infantile epileptic encephalopathy. Identifiers: Orphanet 1934, MedGen C0393706, MONDO:0800491.
SCN1A-related disorder. Also called: SCN1A-related conditions; SCN1A-related condition; SCN1A-related disorders.

Allele frequency attached by ClinVar (database versions not stated): gnomAD exomes below 0.00001 and 0.00001; TOPMed below 0.00001; ExAC 0.00001.
gnomAD v4.1: 11 of 1,613,910 alleles (0.00068%); highest among the groups gnomAD compares: South Asian, 0.012%; no homozygotes.

Submissions (2):

Labcorp Genetics (formerly Invitae), Labcorp
Classification: Uncertain significance for Early-infantile DEE. Last evaluated: 2024-08-08. Review status: criteria provided, single submitter. Criteria: Invitae Variant Classification Sherloc (09022015). Collection method: clinical testing. Allele origin: germline.
Comment: This sequence change replaces leucine, which is neutral and non-polar, with phenylalanine, which is neutral and non-polar, at codon 1729 of the SCN1A protein (p.Leu1729Phe). This variant is present in population databases (rs747155595, gnomAD 0.003%). This variant has not been reported in the literature in individuals affected with SCN1A-related conditions. ClinVar contains an entry for this variant (Variation ID: 1412503). Advanced modeling of protein sequence and biophysical properties (such as structural, functional, and spatial information, amino acid conservation, physicochemical variation, residue mobility, and thermodynamic stability) has been performed at Invitae for this missense variant, however the output from this modeling did not meet the statistical confidence thresholds required to predict the impact of this variant on SCN1A protein function. In summary, the available evidence is currently insufficient to determine the role of this variant in disease. Therefore, it has been classified as a Variant of Uncertain Significance.

PreventionGenetics, part of Exact Sciences
Classification: Uncertain significance for SCN1A-related condition. Last evaluated: 2024-04-23. Review status: no assertion criteria provided. Collection method: clinical testing. Allele origin: germline. Not counted in ClinVar's aggregate classification.
Comment: The SCN1A c.5187G>T variant is predicted to result in the amino acid substitution p.Leu1729Phe. To our knowledge, this variant has not been reported in the literature. This variant is reported in 0.0033% of alleles in individuals of South Asian descent in gnomAD. At this time, the clinical significance of this variant is uncertain due to the absence of conclusive functional and genetic evidence.